The following is an entry in ClinVar:

NM_006343.3(MERTK):c.757+9G>A

Gene: MERTK (MER proto-oncogene, tyrosine kinase; plus strand). Cytogenetic location: 2q13.
Variant type: single nucleotide variant.
Coding change: c.757+9G>A on transcript NM_006343.3 (MANE Select); 9 bases into the intron after coding-DNA position 757, G replaced by A.
Molecular consequence: intron variant.
Genome position (GRCh38, 1-based): chr2:111,947,576, G>A. VCF-style: chr2-111947576-G-A. GRCh37 (hg19) VCF-style: chr2-112705153-G-A.
Other names: c.757+9G>A (NM_006343.2).
Identifiers: ClinVar variation 1592048 (VCV001592048.9), dbSNP rs375176222, ClinGen allele CA1831144.

ClinVar aggregate classification (germline): Likely benign. Review status: criteria provided, multiple submitters, no conflicts (2 of 4 stars). 2 submissions from 2 submitters: Likely benign (2). Last evaluated 2025-09-03.

Conditions:
MERTK-related disorder. Also called: MERTK-related condition.

Allele frequency attached by ClinVar (database versions not stated): gnomAD 0.00001; gnomAD exomes 0.00001; TOPMed 0.00001; ExAC 0.00002; ESP Exome Variant Server 0.00008.
gnomAD v4.1: 22 of 1,613,836 alleles (0.0014%); highest among the groups gnomAD compares: South Asian, 0.0044%; no homozygotes.

Submissions (2):

PreventionGenetics, part of Exact Sciences
Classification: Likely benign for MERTK-related condition. Last evaluated: 2025-09-03. Review status: criteria provided, single submitter. Criteria: ACMG Guidelines, 2015. Collection method: clinical testing. Allele origin: germline.
Comment: This variant is classified as likely benign based on ACMG/AMP sequence variant interpretation guidelines (Richards et al. 2015 PMID: 25741868, with internal and published modifications).

Labcorp Genetics (formerly Invitae), Labcorp
Classification: Likely benign. Last evaluated: 2025-03-17. Review status: criteria provided, single submitter. Criteria: Invitae Variant Classification Sherloc (09022015). Collection method: clinical testing. Allele origin: germline.